The following is an entry in ClinVar:

NM_004004.6(GJB2):c.-1G>A

Gene: GJB2 (gap junction protein beta 2; minus strand). Cytogenetic location: 13q12.11.
Variant type: single nucleotide variant.
Coding change: c.-1G>A on transcript NM_004004.6 (MANE Select); 1 bases upstream of the start codon, G replaced by A.
Molecular consequence: 5 prime UTR variant.
Genome position (GRCh38, 1-based): chr13:20,189,582, C>T on the plus strand (G>A on the coding strand, the complement: GJB2 is on the minus strand). VCF-style: chr13-20189582-C-T. GRCh37 (hg19) VCF-style: chr13-20763721-C-T.
Identifiers: ClinVar variation 883513 (VCV000883513.8), dbSNP rs768338285, ClinGen allele CA6904337.

ClinVar aggregate classification (germline): Uncertain significance. Review status: criteria provided, multiple submitters, no conflicts (2 of 4 stars). 7 submissions from 5 submitters: Uncertain significance (7). Last evaluated 2026-07-23.

Conditions:
Autosomal dominant nonsyndromic hearing loss 3A. Identifiers: Orphanet 90635, MedGen C2675750, MONDO:0011103, OMIM 601544.
Autosomal recessive nonsyndromic hearing loss 1A (DFNB1A). Also called: GJB6-Related DFNB 1 Nonsyndromic Hearing Loss and Deafness; Deafness, autosomal recessive 1A; Connexin 26 deafness; Deafness nonsyndromic, Connexin 26 linked; Nonsyndromic Hearing Loss and Deafness, DFNB1; GJB2-Related Autosomal Recessive Nonsyndromic Hearing Loss. Identifiers: Orphanet 90636, MedGen C2673759, MONDO:0009076, OMIM 220290.
GJB2-related disorder. Also called: GJB2-related condition; GJB2-related disorders. Identifiers: MedGen CN382183, MONDO:1060236.
Mutilating keratoderma (VOWNKL). Also called: Keratoderma hereditarium mutilans. Identifiers: Orphanet 494, MedGen C0265964, MONDO:0007422, OMIM 124500.
Ichthyosis, hystrix-like, with hearing loss. Also called: Hystrix-like ichthyosis with deafness. Identifiers: Orphanet 477, MedGen C1865234, MONDO:0011245.
Autosomal dominant keratitis-ichthyosis-hearing loss syndrome. Also called: Senter syndrome; HID SYNDROME; KID SYNDROME, AUTOSOMAL DOMINANT. Identifiers: Orphanet 477, MedGen C0265336, MONDO:0007850, OMIM 148210.
Palmoplantar keratoderma-deafness syndrome. Also called: Keratoderma palmoplantar, with deafness; Palmoplantar keratoderma and sensorineural deafness; Hereditary palmoplantar keratoderma with deafness (subtype); Focal palmoplantar keratoderma with sensorineural deafness (subtype); Diffuse palmoplantar keratoderma with deafness (subtype). Identifiers: Orphanet 2202, MedGen C1835672, MONDO:0007852, OMIM 148350.
Knuckle pads, deafness AND leukonychia syndrome. Also called: Bart-Pumphrey syndrome. Identifiers: Orphanet 2698, MedGen C0266004, MONDO:0007866, OMIM 149200.
X-linked mixed hearing loss with perilymphatic gusher. Also called: Gusher syndrome; NANCE DEAFNESS; PERILYMPHATIC GUSHER-DEAFNESS SYNDROME; SENSORINEURAL DEAFNESS, PROFOUND, WITH OR WITHOUT A CONDUCTIVE COMPONENT, ASSOCIATED WITH A UNIQUE DEVELOPMENTAL ABNORMALITY OF THE EAR; Deafness, X-linked 2. Identifiers: Orphanet 383, MedGen C1844678, MONDO:0010576, OMIM 304400.

Allele frequency attached by ClinVar (database versions not stated): gnomAD exomes 0.00003 and 0.00002; gnomAD 0.00005 and 0.00006; ExAC 0.00004; TOPMed 0.00002.

Submissions (7):

PreventionGenetics, part of Exact Sciences
Classification: Uncertain significance for GJB2-related condition. Last evaluated: 2026-07-23. Review status: criteria provided, single submitter. Criteria: ACMG Guidelines, 2015. Collection method: clinical testing. Allele origin: germline.
Comment: The GJB2 c.-1G>A variant is not predicted to result in an amino acid change (p.=). This variant occurs in the untranslated region of exon 2. This variant was reported in the heterozygous state without a second potentially causative variant in individuals with non-syndromic hearing loss (Neocleous et al. 2014. PubMed ID: 25189242; Tlili et al. 2017. PubMed ID: 29016196; Table S1, Sansović et al. 2024. PubMed ID: 38868966). This variant is reported in 0.0047% of alleles in individuals of European (Non-Finnish) descent in gnomAD. At this time, the clinical significance of this variant is uncertain due to the absence of conclusive functional and genetic evidence.

GeneDx
Classification: Uncertain significance. Last evaluated: 2025-08-19. Review status: criteria provided, single submitter. Criteria: GeneDx Variant Classification Process June 2021. Collection method: clinical testing. Allele origin: germline. Affected: yes.
Comment: Nucleotide is not conserved across species and the substitution has no predicted effect on splicing; Located in a regulatory region; in the absence of functional studies, the actual effect of this sequence change is unknown; This variant is associated with the following publications: (PMID: 34426522, 29016196, 25189242)

Blueprint Genetics
Classification: Uncertain significance. Last evaluated: 2024-02-08. Review status: criteria provided, single submitter. Criteria: ACMG Guidelines, 2015. Collection method: clinical testing. Allele origin: germline.

Fulgent Genetics
Classification: Uncertain significance for Mutilating keratoderma; Autosomal dominant keratitis-ichthyosis-hearing loss syndrome; Palmoplantar keratoderma-deafness syndrome; Knuckle pads, deafness AND leukonychia syndrome; Autosomal recessive nonsyndromic hearing loss 1A; X-linked mixed hearing loss with perilymphatic gusher; Autosomal dominant nonsyndromic hearing loss 3A. Last evaluated: 2022-02-03. Review status: criteria provided, single submitter. Criteria: ACMG Guidelines, 2015. Collection method: clinical testing. Allele origin: unknown.

Illumina Laboratory Services, Illumina
Classification: Uncertain significance for Autosomal recessive nonsyndromic hearing loss 1A. Last evaluated: 2017-04-27. Review status: criteria provided, single submitter. Criteria: ICSL Variant Classification Criteria 13 December 2019. Collection method: clinical testing. Allele origin: germline.

Illumina Laboratory Services, Illumina
Classification: Uncertain significance for Autosomal dominant keratitis-ichthyosis-hearing loss syndrome. Last evaluated: 2017-04-27. Review status: criteria provided, single submitter. Criteria: ICSL Variant Classification Criteria 13 December 2019. Collection method: clinical testing. Allele origin: germline.

Illumina Laboratory Services, Illumina
Classification: Uncertain significance for Autosomal dominant nonsyndromic hearing loss 3A. Last evaluated: 2017-04-27. Review status: criteria provided, single submitter. Criteria: ICSL Variant Classification Criteria 13 December 2019. Collection method: clinical testing. Allele origin: germline.